The following is an entry in ClinVar:

NM_022124.6(CDH23):c.10042C>A (p.Pro3348Thr)

Gene: CDH23 (cadherin related 23; plus strand). Cytogenetic location: 10q22.1.
Variant type: single nucleotide variant.
Coding change: c.10042C>A on transcript NM_022124.6 (MANE Select); coding-DNA position 10042, C replaced by A.
Protein change: p.Pro3348Thr; replaces proline 3348 with threonine.
Molecular consequence: missense variant.
Genome position (GRCh38, 1-based): chr10:71,815,255, C>A. VCF-style: chr10-71815255-C-A. GRCh37 (hg19) VCF-style: chr10-73575012-C-A.
Other names: c.3322C>A, p.Pro1108Thr (NM_001171933.1); c.3217C>A, p.Pro1073Thr (NM_001171934.1); c.733C>A, p.Pro245Thr (NM_001171935.1); c.628C>A, p.Pro210Thr (NM_001171936.1); short protein forms P3348T, P210T, P245T, P1073T, P1108T.
Identifiers: ClinVar variation 300480 (VCV000300480.8), dbSNP rs745358868, ClinGen allele CA10628836.

ClinVar aggregate classification (germline): Uncertain significance. Review status: criteria provided, multiple submitters, no conflicts (2 of 4 stars). 4 submissions from 3 submitters: Uncertain significance (4). Last evaluated 2025-11-20.

Conditions:
Inborn genetic diseases. Identifiers: MedGen C0950123, MeSH D030342.
Usher syndrome type 1D (USH1D). Also called: USHER SYNDROME, TYPE ID. Identifiers: Orphanet 231169, Orphanet 886, MedGen C1832845, MONDO:0010984, OMIM 601067.
Autosomal recessive nonsyndromic hearing loss 12. Also called: DEAFNESS, AUTOSOMAL RECESSIVE 12. Identifiers: Orphanet 90636, MedGen C1832394, MONDO:0011067, OMIM 601386.

gnomAD v4.1: 20 of 1,580,084 alleles (0.0013%); highest among the groups gnomAD compares: Non-Finnish European, 0.0016%; no homozygotes.

Submissions (4):

Ambry Genetics
Classification: Uncertain significance for Inborn genetic diseases. Last evaluated: 2025-11-20. Review status: criteria provided, single submitter. Criteria: Ambry Variant Classification Scheme 2023. Collection method: clinical testing. Allele origin: germline.

Labcorp Genetics (formerly Invitae), Labcorp
Classification: Uncertain significance. Last evaluated: 2022-07-26. Review status: criteria provided, single submitter. Criteria: Invitae Variant Classification Sherloc (09022015). Collection method: clinical testing. Allele origin: germline.
Comment: This sequence change replaces proline, which is neutral and non-polar, with threonine, which is neutral and polar, at codon 3348 of the CDH23 protein (p.Pro3348Thr). This variant is not present in population databases (gnomAD no frequency). This variant has not been reported in the literature in individuals affected with CDH23-related conditions. ClinVar contains an entry for this variant (Variation ID: 300480). Algorithms developed to predict the effect of missense changes on protein structure and function are either unavailable or do not agree on the potential impact of this missense change (SIFT: "Deleterious"; PolyPhen-2: "Not Available"; Align-GVGD: "Class C0"). In summary, the available evidence is currently insufficient to determine the role of this variant in disease. Therefore, it has been classified as a Variant of Uncertain Significance.

Illumina Laboratory Services, Illumina
Classification: Uncertain significance for Autosomal recessive nonsyndromic hearing loss 12. Last evaluated: 2018-01-12. Review status: criteria provided, single submitter. Criteria: ICSL Variant Classification Criteria 13 December 2019. Collection method: clinical testing. Allele origin: germline.

Illumina Laboratory Services, Illumina
Classification: Uncertain significance for Usher syndrome type 1D. Last evaluated: 2018-01-12. Review status: criteria provided, single submitter. Criteria: ICSL Variant Classification Criteria 13 December 2019. Collection method: clinical testing. Allele origin: germline.